The following is an entry in ClinVar:

ClinVar aggregate classification (germline): Uncertain significance (1 of 4 stars; one submission).

Submission:

GeneDx
Classification: Uncertain significance. Last evaluated: 2025-02-07. Review status: criteria provided, single submitter. Criteria: GeneDx Variant Classification Process June 2021. Collection method: clinical testing. Allele origin: germline. Affected: yes.
Comment: Not observed at significant frequency in large population cohorts (gnomAD); In-frame deletion of 1 amino acid in a non-repeat region; In silico analysis supports a deleterious effect on protein structure/function; Has not been previously published as pathogenic or benign to our knowledge

NM_001040142.2(SCN2A):c.4996CTT[1] (p.Leu1667del)

Gene: SCN2A (sodium voltage-gated channel alpha subunit 2; plus strand). Cytogenetic location: 2q24.3.
Variant type: Microsatellite.
Coding change: c.4996CTT[1] on transcript NM_001040142.2 (MANE Select); one copy of the 3-base unit CTT starting at c.4996; the reference has two copies in a row; one copy, 3 bases deleted.
Protein change: p.Leu1667del; deletes leucine 1667.
Molecular consequence: inframe deletion.
Genome position (GRCh38, 1-based): chr2:165,388,805-165,388,807, CTT deleted; deleting any 3 consecutive bases within chr2:165,388,802-165,388,807 gives the same sequence; the position shown is the placement nearest the transcript's 3' end. VCF-style (leftmost placement, unchanged base first): chr2-165388801-CCTT-C. GRCh37 (hg19) VCF-style: chr2-166245311-CCTT-C.
Other names: c.4996CTT[1], p.Leu1667del (NM_001040143.2, NM_001371246.1, NM_001371247.1 and 1 more transcripts); short protein forms L1667del.
Identifiers: ClinVar variation 4074672 (VCV004074672.1).